The following is an entry in ClinVar:

NM_001031710.3(KLHL7):c.-38G>A

Gene: KLHL7 (kelch like family member 7; plus strand). Cytogenetic location: 7p15.3.
Variant type: single nucleotide variant.
Coding change: c.-38G>A on transcript NM_001031710.3 (MANE Select); 38 bases upstream of the start codon, G replaced by A.
Molecular consequence: 5 prime UTR variant. On other transcripts: non-coding transcript variant (2).
Genome position (GRCh38, 1-based): chr7:23,105,989, G>A. VCF-style: chr7-23105989-G-A. GRCh37 (hg19) VCF-style: chr7-23145608-G-A.
Other names: c.-38G>A (NM_001172428.2).
Identifiers: ClinVar variation 359795 (VCV000359795.5), dbSNP rs200506606, ClinGen allele CA4186203.

ClinVar aggregate classification (germline): Likely benign (1 of 4 stars; one submission).

Conditions:
Retinitis pigmentosa (RP). Identifiers: Orphanet 791, MedGen C0035334, MeSH D012174, MONDO:0019200, OMIM 268000. Inheritance: Autosomal dominant, autosomal recessive and X linked inheritance.

Allele frequency attached by ClinVar (database versions not stated): gnomAD exomes 0.00010 and 0.00044; gnomAD 0.00011 and 0.00019; TOPMed 0.00015; ExAC 0.00087; 1000 Genomes Project 0.00180; 1000 Genomes Project 30x 0.00187.
gnomAD v4.1: 181 of 1,599,896 alleles (0.011%); highest among the groups gnomAD compares: South Asian, 0.12%; 2 homozygotes.

Submission:

Illumina Laboratory Services, Illumina
Classification: Likely benign for Retinitis pigmentosa. Last evaluated: 2018-01-12. Review status: criteria provided, single submitter. Criteria: ICSL Variant Classification Criteria 13 December 2019. Collection method: clinical testing. Allele origin: germline.
Comment: This variant was observed in the ICSL laboratory as part of a predisposition screen in an ostensibly healthy population. It had not been previously curated by ICSL or reported in the Human Gene Mutation Database (HGMD: prior to June 1st, 2018), and was therefore a candidate for classification through an automated scoring system. Utilizing variant allele frequency, disease prevalence and penetrance estimates, and inheritance mode, an automated score was calculated to assess if this variant is too frequent to cause the disease. Based on the score and internal cut-off values, a variant classified as likely benign is not then subjected to further curation. The score for this variant resulted in a classification of likely benign for this disease.